The following is an entry in ClinVar:

ClinVar aggregate classification (germline): Uncertain significance (1 of 4 stars; one submission).

Allele frequency attached by ClinVar (database versions not stated): gnomAD 0.00006; gnomAD exomes 0.00006; TOPMed 0.00006; ExAC 0.00010.
gnomAD v4.1: 46 of 1,609,966 alleles (0.0029%); highest among the groups gnomAD compares: Admixed American, 0.012%; no homozygotes.

Submission:

Labcorp Genetics (formerly Invitae), Labcorp
Classification: Uncertain significance. Last evaluated: 2022-06-24. Review status: criteria provided, single submitter. Criteria: Invitae Variant Classification Sherloc (09022015). Collection method: clinical testing. Allele origin: germline.
Comment: This sequence change replaces arginine, which is basic and polar, with tryptophan, which is neutral and slightly polar, at codon 1078 of the INPPL1 protein (p.Arg1078Trp). This variant is present in population databases (rs777553838, gnomAD 0.02%). This variant has not been reported in the literature in individuals affected with INPPL1-related conditions. ClinVar contains an entry for this variant (Variation ID: 1034646). Algorithms developed to predict the effect of missense changes on protein structure and function are either unavailable or do not agree on the potential impact of this missense change (SIFT: "Deleterious"; PolyPhen-2: "Possibly Damaging"; Align-GVGD: "Class C0"). In summary, the available evidence is currently insufficient to determine the role of this variant in disease. Therefore, it has been classified as a Variant of Uncertain Significance.

NM_001567.4(INPPL1):c.3232C>T (p.Arg1078Trp)

Gene: INPPL1 (inositol polyphosphate phosphatase like 1; plus strand). Cytogenetic location: 11q13.4.
Variant type: single nucleotide variant.
Coding change: c.3232C>T on transcript NM_001567.4 (MANE Select); coding-DNA position 3232, C replaced by T.
Protein change: p.Arg1078Trp; replaces arginine 1078 with tryptophan.
Molecular consequence: missense variant.
Genome position (GRCh38, 1-based): chr11:72,237,476, C>T. VCF-style: chr11-72237476-C-T. GRCh37 (hg19) VCF-style: chr11-71948520-C-T.
Other names: short protein forms R1078W.
Identifiers: ClinVar variation 1034646 (VCV001034646.6), dbSNP rs777553838, ClinGen allele CA6170586.